The following is an entry in ClinVar:

NM_001206927.2(DNAH8):c.12011G>A (p.Gly4004Glu)

Genes: DNAH8 (dynein axonemal heavy chain 8; plus strand), DNAH8-AS1 (DNAH8 antisense RNA 1; minus strand). Cytogenetic location: 6p21.2.
Variant type: single nucleotide variant.
Coding change: c.12011G>A on transcript NM_001206927.2 (MANE Select); coding-DNA position 12011, G replaced by A.
Protein change: p.Gly4004Glu; replaces glycine 4004 with glutamic acid.
Molecular consequence: missense variant.
Genome position (GRCh38, 1-based): chr6:38,945,470, G>A. VCF-style: chr6-38945470-G-A. GRCh37 (hg19) VCF-style: chr6-38913246-G-A.
Other names: c.11360G>A, p.Gly3787Glu (NM_001371.4); short protein forms G3787E, G4004E.
Identifiers: ClinVar variation 936121 (VCV000936121.10), dbSNP rs1472264977, ClinGen allele CA364022363.

ClinVar aggregate classification (germline): Uncertain significance (1 of 4 stars; one submission).

Conditions:
Primary ciliary dyskinesia. Also called: Ciliary dyskinesia. Identifiers: Orphanet 244, MedGen C0008780, MONDO:0016575, HP:0012265.

Submission:

Labcorp Genetics (formerly Invitae), Labcorp
Classification: Uncertain significance for Primary ciliary dyskinesia. Last evaluated: 2023-08-04. Review status: criteria provided, single submitter. Criteria: Invitae Variant Classification Sherloc (09022015). Collection method: clinical testing. Allele origin: germline.
Comment: This sequence change replaces glycine, which is neutral and non-polar, with glutamic acid, which is acidic and polar, at codon 4004 of the DNAH8 protein (p.Gly4004Glu). This variant is not present in population databases (gnomAD no frequency). This variant has not been reported in the literature in individuals affected with DNAH8-related conditions. ClinVar contains an entry for this variant (Variation ID: 936121). Experimental studies and prediction algorithms are not available or were not evaluated, and the functional significance of this variant is currently unknown. In summary, the available evidence is currently insufficient to determine the role of this variant in disease. Therefore, it has been classified as a Variant of Uncertain Significance.